The following is an entry in ClinVar:

NM_000179.3(MSH6):c.1177G>A (p.Ala393Thr)

Gene: MSH6 (mutS homolog 6; plus strand). Cytogenetic location: 2p16.3.
Variant type: single nucleotide variant.
Coding change: c.1177G>A on transcript NM_000179.3 (MANE Select); coding-DNA position 1177, G replaced by A.
Protein change: p.Ala393Thr; replaces alanine 393 with threonine.
Molecular consequence: missense variant.
Genome position (GRCh38, 1-based): chr2:47,799,160, G>A. VCF-style: chr2-47799160-G-A. GRCh37 (hg19) VCF-style: chr2-48026299-G-A.
Other names: c.880G>A, p.Ala294Thr (NM_001406801.1, NM_001406805.1, NM_001406797.1 and 10 more transcripts); c.1273G>A, p.Ala425Thr (NM_001406802.1, NM_001406795.1); c.1177G>A, p.Ala393Thr (NM_001406803.1, NM_001406808.1, NM_001406809.1 and 4 more transcripts); c.1099G>A, p.Ala367Thr (NM_001406804.1); c.652G>A, p.Ala218Thr (NM_001406806.1, NM_001406807.1, NM_001406799.1); c.271G>A, p.Ala91Thr (NM_001406811.1, NM_001281493.2, NM_001281494.2 and 6 more transcripts); c.787G>A, p.Ala263Thr (NM_001281492.2); c.1183G>A, p.Ala395Thr (NM_001406813.1); and 1 more; short protein forms A218T, A294T, A367T, A393T, A395T, A425T, A91T, A263T.
Identifiers: ClinVar variation 2112049 (VCV002112049.6), dbSNP rs1669304152, ClinGen allele CA346742350.

ClinVar aggregate classification (germline): Uncertain significance. Review status: criteria provided, multiple submitters, no conflicts (2 of 4 stars). 3 submissions from 3 submitters: Uncertain significance (3). Last evaluated 2026-07-06.

Conditions:
Hereditary nonpolyposis colorectal neoplasms. Identifiers: MedGen C0009405, MeSH D003123.
Endometrial carcinoma. Also called: Endometrial carcinoma, somatic. Identifiers: MedGen C0476089, MONDO:0002447, OMIM 608089, HP:0012114.
Hereditary cancer-predisposing syndrome. Also called: Tumor predisposition; Hereditary Cancer Syndrome; Hereditary neoplastic syndrome; Neoplastic Syndromes, Hereditary. Identifiers: Orphanet 140162, MedGen C0027672, MeSH D009386, MONDO:0015356.

Allele frequency attached by ClinVar (database versions not stated): gnomAD 0.00001.
gnomAD v4.1: 1 of 1,613,256 alleles (0.000062%); highest among the groups gnomAD compares: African/African-American, 0.0013%; no homozygotes.

Submissions (3):

Ambry Genetics
Classification: Uncertain significance for Hereditary cancer-predisposing syndrome. Last evaluated: 2026-07-06. Review status: criteria provided, single submitter. Criteria: Ambry Variant Classification Scheme 2023. Collection method: clinical testing. Allele origin: germline.
Comment: The p.A393T variant (also known as c.1177G>A), located in coding exon 4 of the MSH6 gene, results from a G to A substitution at nucleotide position 1177. The alanine at codon 393 is replaced by threonine, an amino acid with similar properties. This amino acid position is conserved. In addition, this alteration is predicted to be tolerated by in silico analysis. Based on the available evidence, the clinical significance of this variant remains unclear.

Baylor Genetics
Classification: Uncertain significance for Endometrial carcinoma. Last evaluated: 2024-03-06. Review status: criteria provided, single submitter. Criteria: ACMG Guidelines, 2015. Collection method: clinical testing. Allele origin: unknown.

Labcorp Genetics (formerly Invitae), Labcorp
Classification: Uncertain significance for Hereditary nonpolyposis colorectal neoplasms. Last evaluated: 2022-03-14. Review status: criteria provided, single submitter. Criteria: Invitae Variant Classification Sherloc (09022015). Collection method: clinical testing. Allele origin: germline.
Comment: In summary, the available evidence is currently insufficient to determine the role of this variant in disease. Therefore, it has been classified as a Variant of Uncertain Significance. Advanced modeling of protein sequence and biophysical properties (such as structural, functional, and spatial information, amino acid conservation, physicochemical variation, residue mobility, and thermodynamic stability) performed at Invitae indicates that this missense variant is not expected to disrupt MSH6 protein function. This variant has not been reported in the literature in individuals affected with MSH6-related conditions. This variant is not present in population databases (gnomAD no frequency). This sequence change replaces alanine, which is neutral and non-polar, with threonine, which is neutral and polar, at codon 393 of the MSH6 protein (p.Ala393Thr).